The following is an entry in ClinVar:

ClinVar aggregate classification (germline): Uncertain significance. Review status: criteria provided, multiple submitters, no conflicts (2 of 4 stars). 2 submissions from 2 submitters: Uncertain significance (2). Last evaluated 2025-05-26.

Conditions:
GRHL2-related disorder. Also called: GRHL2-related condition; GRHL2-related disorders.

Allele frequency attached by ClinVar (database versions not stated): gnomAD 0.00001; ExAC 0.00001; gnomAD exomes 0.00001.
gnomAD v4.1: 8 of 1,612,308 alleles (0.0005%); highest among the groups gnomAD compares: East Asian, 0.0045%; no homozygotes.

Submissions (2):

Labcorp Genetics (formerly Invitae), Labcorp
Classification: Uncertain significance. Last evaluated: 2025-05-26. Review status: criteria provided, single submitter. Criteria: Invitae Variant Classification Sherloc (09022015). Collection method: clinical testing. Allele origin: germline.
Comment: This sequence change replaces arginine, which is basic and polar, with glutamine, which is neutral and polar, at codon 537 of the GRHL2 protein (p.Arg537Gln). The frequency data for this variant in the population databases is considered unreliable, as metrics indicate poor data quality at this position in the gnomAD database. This variant has not been reported in the literature in individuals affected with GRHL2-related conditions. ClinVar contains an entry for this variant (Variation ID: 1961457). An algorithm developed to predict the effect of missense changes on protein structure and function (PolyPhen-2) suggests that this variant is likely to be tolerated. In summary, the available evidence is currently insufficient to determine the role of this variant in disease. Therefore, it has been classified as a Variant of Uncertain Significance.

PreventionGenetics, part of Exact Sciences
Classification: Uncertain significance for GRHL2-related condition. Last evaluated: 2023-08-23. Review status: criteria provided, single submitter. Criteria: ACMG Guidelines, 2015. Collection method: clinical testing. Allele origin: germline.
Comment: The GRHL2 c.1610G>A variant is predicted to result in the amino acid substitution p.Arg537Gln. To our knowledge, this variant has not been reported in the literature. This variant is reported in 0.0040% of alleles in individuals of African descent in gnomAD. At this time, the clinical significance of this variant is uncertain due to the absence of conclusive functional and genetic evidence.

NM_024915.4(GRHL2):c.1610G>A (p.Arg537Gln)

Genes: GRHL2 (grainyhead like transcription factor 2; plus strand), LOC126860461 (CDK7 strongly-dependent group 2 enhancer GRCh37_chr8:102655529-102656728; plus strand). Cytogenetic location: 8q22.3.
Variant type: single nucleotide variant.
Coding change: c.1610G>A on transcript NM_024915.4 (MANE Select); coding-DNA position 1610, G replaced by A.
Protein change: p.Arg537Gln; replaces arginine 537 with glutamine.
Molecular consequence: missense variant.
Genome position (GRCh38, 1-based): chr8:101,644,223, G>A. VCF-style: chr8-101644223-G-A. GRCh37 (hg19) VCF-style: chr8-102656451-G-A.
Other names: c.1610G>A (NM_024915.3); c.1562G>A, p.Arg521Gln (NM_001330593.2); short protein forms R521Q, R537Q.
Identifiers: ClinVar variation 1961457 (VCV001961457.6), dbSNP rs774168395, ClinGen allele CA4830628.
Genomic context (GRCh38, chr8:101,644,223, plus strand): 5'-CCATGGAAGAGGAGTTTGGTCCAGTGCCTTCAAAGCAGATGAAAGAAGAAGGGACAAAGC[G>A]AGGTATCTCTCCTGCTGGGGCATGCCCTCTCAGAAGGGATGCGGGGTGTCTCTCCCAAGA-3'
Protein context (NP_079191.2, residues 527-547): SKQMKEEGTK[Arg537Gln]VLLYVRKETD